The following is an entry in ClinVar:

NC_000011.10:g.65864502G>A

Genes: MUS81 (MUS81 structure-specific endonuclease subunit; plus strand), EFEMP2 (EGF-like fibulin extracellular matrix protein 2; minus strand). Cytogenetic location: 11q13.1.
Variant type: single nucleotide variant.
Molecular consequence: synonymous variant (on NM_025128.5). On other transcripts: non-coding transcript variant (1).
Genome position: GRCh38 VCF-style: chr11-65864502-G-A. GRCh37 (hg19) VCF-style: chr11-65631973-G-A.
Other names: c.1068G>A, p.Arg356= (NM_001350283.2); c.1065G>A, p.Arg355= (NM_025128.5).
Identifiers: ClinVar variation 402818 (VCV000402818.6), dbSNP rs630303, ClinGen allele CA6110053.

ClinVar aggregate classification (germline): Benign. Review status: criteria provided, multiple submitters, no conflicts (2 of 4 stars). 2 submissions from 2 submitters: Benign (2). Last evaluated 2016-03-29.

Allele frequency attached by ClinVar (database versions not stated): TOPMed 0.49236; gnomAD 0.52198 and 0.52496; ESP Exome Variant Server 0.53078; gnomAD exomes 0.57399 and 0.63900; 1000 Genomes Project 30x 0.42099; ExAC 0.57928; 1000 Genomes Project 0.42991.
gnomAD v4.1: 1,012,059 of 1,612,680 alleles (63%); highest among the groups gnomAD compares: Middle Eastern, 70%; 328,583 homozygotes.

Submissions (2):

Laboratory for Molecular Medicine, Mass General Brigham Personalized Medicine
Classification: Benign. Last evaluated: 2016-03-29. Review status: criteria provided, single submitter. Criteria: LMM Criteria. Collection method: clinical testing. Allele origin: germline.
Comment: Variant identified in a genome or exome case(s) and assessed due to predicted null impact of the variant or pathogenic assertions in the literature or databases. Disclaimer: This variant has not undergone full assessment. The following are preliminary notes: MAF

Breakthrough Genomics
Classification: Benign. Review status: criteria provided, single submitter. Criteria: ACMG Guidelines, 2015. Collection method: not provided. Allele origin: germline. Inheritance: Unknown mechanism. Affected: yes.